The following is an entry in ClinVar:

ClinVar aggregate classification (germline): Benign. Review status: criteria provided, single submitter (1 of 4 stars). 2 submissions from 2 submitters: Benign (1). 1 of the submissions does not count toward it. Last evaluated 2022-05-04.

Conditions:
Familial cancer of breast. Also called: BREAST CANCER, FAMILIAL; Hereditary breast cancer; hereditary breast carcinoma. Identifiers: Orphanet 227535, MedGen C0346153, MONDO:0016419, OMIM 114480. Disease mechanism: loss of function.

Submissions (2):

Mendelics
Classification: Benign. Last evaluated: 2022-05-04. Review status: criteria provided, single submitter. Criteria: Mendelics Assertion Criteria 2019. Collection method: clinical testing. Allele origin: germline.

Department of Zoology Govt. MVM College
Classification: Likely pathogenic for Familial cancer of breast. Review status: no assertion criteria provided. Collection method: not provided. Allele origin: unknown. Not counted in ClinVar's aggregate classification.
Comment: KM270511 KM276982
ClinVar note: Converted during submission from probable-pathogenic to Likely pathogenic.

NC_012920.1(MT-CYB):m.15049C>T

Gene: MT-CYB (mitochondrially encoded cytochrome b; plus strand).
Variant type: single nucleotide variant.
Genome position: chrM-15049-C-T.
Identifiers: ClinVar variation 143873 (VCV000143873.4), dbSNP rs527236170, ClinGen allele CA270606.